The following is an entry in ClinVar:

NM_014714.4(IFT140):c.3203T>C (p.Ile1068Thr)

Gene: IFT140 (intraflagellar transport 140; minus strand). Cytogenetic location: 16p13.3.
Variant type: single nucleotide variant.
Coding change: c.3203T>C on transcript NM_014714.4 (MANE Select); coding-DNA position 3203, T replaced by C.
Protein change: p.Ile1068Thr; replaces isoleucine 1068 with threonine.
Molecular consequence: missense variant.
Genome position (GRCh38, 1-based): chr16:1,523,895, A>G on the plus strand (T>C on the coding strand, the complement: IFT140 is on the minus strand). VCF-style: chr16-1523895-A-G. GRCh37 (hg19) VCF-style: chr16-1573896-A-G.
Other names: short protein forms I1068T.
Identifiers: ClinVar variation 2107066 (VCV002107066.4), dbSNP rs2506105181, ClinGen allele CA394225680.
Genomic context (GRCh38, chr16:1,523,895, plus strand): 5'-TACAGCATGACCGCCCTGTCCATCTGCACGCCCTTCTCCTCGTAGTATCGGGCCGCCTCG[A>G]TCATGTCCTCGGGGGAGCTCAGCAGGGCCAAGTTCATGAGCTGGTCGTCCAGGCCGTTCT-3'
Protein context (NP_055529.2, residues 1058-1078): LALLSSPEDM[Ile1068Thr]EAARYYEEKG

ClinVar aggregate classification (germline): Uncertain significance (1 of 4 stars; one submission).

Conditions:
Saldino-Mainzer syndrome (SRTD9). Also called: CONORENAL SYNDROME; Renal dysplasia, retinal pigmentary dystrophy, cerebellar ataxia and skeletal dysplasia; SHORT-RIB THORACIC DYSPLASIA 9 WITHOUT POLYDACTYLY; short-rib thoracic dysplasia 9 with or without polydactyly. Identifiers: Orphanet 140969, MedGen C1849437, MONDO:0009964, OMIM 266920.

Submission:

Labcorp Genetics (formerly Invitae), Labcorp
Classification: Uncertain significance for Saldino-Mainzer syndrome. Last evaluated: 2023-08-10. Review status: criteria provided, single submitter. Criteria: Invitae Variant Classification Sherloc (09022015). Collection method: clinical testing. Allele origin: germline.
Comment: In summary, the available evidence is currently insufficient to determine the role of this variant in disease. Therefore, it has been classified as a Variant of Uncertain Significance. Advanced modeling of protein sequence and biophysical properties (such as structural, functional, and spatial information, amino acid conservation, physicochemical variation, residue mobility, and thermodynamic stability) performed at Invitae indicates that this missense variant is not expected to disrupt IFT140 protein function. ClinVar contains an entry for this variant (Variation ID: 2107066). This variant has not been reported in the literature in individuals affected with IFT140-related conditions. This variant is not present in population databases (gnomAD no frequency). This sequence change replaces isoleucine, which is neutral and non-polar, with threonine, which is neutral and polar, at codon 1068 of the IFT140 protein (p.Ile1068Thr).